The following is an entry in ClinVar:

NM_139027.6(ADAMTS13):c.3839G>A (p.Arg1280Gln)

Gene: ADAMTS13 (ADAM metallopeptidase with thrombospondin type 1 motif 13; plus strand). Cytogenetic location: 9q34.2.
Variant type: single nucleotide variant.
Coding change: c.3839G>A on transcript NM_139027.6 (MANE Select); coding-DNA position 3839, G replaced by A.
Protein change: p.Arg1280Gln; replaces arginine 1280 with glutamine.
Molecular consequence: missense variant.
Genome position (GRCh38, 1-based): chr9:133,458,024, G>A. VCF-style: chr9-133458024-G-A. GRCh37 (hg19) VCF-style: chr9-136323146-G-A.
Other names: p.Arg1336Gln; c.4007G>A, p.Arg1336Gln (NM_139025.5); c.3746G>A, p.Arg1249Gln (NM_139026.6); c.4007G>A (NM_139025.3); short protein forms R1249Q, R1280Q, R1336Q.
Identifiers: ClinVar variation 1050245 (VCV001050245.8), dbSNP rs782213090, ClinGen allele CA200946796.

ClinVar aggregate classification (germline): Uncertain significance. Review status: criteria provided, multiple submitters, no conflicts (2 of 4 stars). 5 submissions from 5 submitters: Uncertain significance (4). 1 of the submissions does not count toward it. Last evaluated 2025-09-22.

Conditions:
Inborn genetic diseases. Identifiers: MedGen C0950123, MeSH D030342.
Upshaw-Schulman syndrome (TTP). Also called: THROMBOTIC THROMBOCYTOPENIC PURPURA, HEREDITARY; Congenital thrombotic thrombocytopenic purpura. Identifiers: Orphanet 93583, MedGen C1268935, MONDO:0010122, OMIM 274150.

Allele frequency attached by ClinVar (database versions not stated): gnomAD 0.00001; TOPMed 0.00001; ExAC 0.00002; gnomAD exomes 0.00002.
gnomAD v4.1: 28 of 1,613,314 alleles (0.0017%); highest among the groups gnomAD compares: Admixed American, 0.0067%; no homozygotes.

Submissions (5):

Mayo Clinic Laboratories, Mayo Clinic
Classification: Uncertain significance. Last evaluated: 2025-09-22. Review status: criteria provided, single submitter. Criteria: ACMG Guidelines, 2015. Collection method: clinical testing. Allele origin: germline. Observed: 2 variant alleles.
Comment: PM5

Ambry Genetics
Classification: Uncertain significance for Inborn genetic diseases. Last evaluated: 2024-05-09. Review status: criteria provided, single submitter. Criteria: Ambry Variant Classification Scheme 2023. Collection method: clinical testing. Allele origin: germline.

Fulgent Genetics
Classification: Uncertain significance for Upshaw-Schulman syndrome. Last evaluated: 2022-05-03. Review status: criteria provided, single submitter. Criteria: ACMG Guidelines, 2015. Collection method: clinical testing. Allele origin: unknown.

Genetic Services Laboratory, University of Chicago
Classification: Uncertain significance. Last evaluated: 2021-11-24. Review status: criteria provided, single submitter. Criteria: ACMG Guidelines, 2015. Collection method: clinical testing. Allele origin: germline. Affected: no.
Comment: This sequence change has been previously described in an individual with unexplained hemolysis and iron overload along with another missense change in the same gene (PMID: 32641076). This individual showed normal ADAMTS13 activity which did not support the diagnosis of thrombotic thrombocytopenic purpura and explain the hemolysis. This sequence change has been described in the gnomAD database in 4 individuals which corresponds to a population frequency of 0.0016% (dbSNP rs782213090). The p.Arg1336Gln change affects a highly conserved amino acid residue located in a domain of the ADAMTS13 protein that is not known to be functional. The p.Arg1336Gln substitution appears to be deleterious using several in-silico pathogenicity prediction tools (SIFT, PolyPhen2, Align GVGD). Due to insufficient evidence and the lack of functional studies, the clinical significance of the p.Arg1336Gln change remains unknown at this time.

Department of Pathology and Laboratory Medicine, Sinai Health System
Classification: Uncertain significance. Review status: no assertion criteria provided. Collection method: clinical testing. Allele origin: unknown. Affected: yes. Study: The Canadian Open Genetics Repository (COGR). Not counted in ClinVar's aggregate classification.
Comment: The ADAMTS13 p.(Arg1336Gln) variant was not identified in the literature nor was it identified in the ClinVar, Cosmic, MutDB or LOVD 3.0 databases. The variant was identified in the dbSNP database (ID: rs782213090) and in control databases in 3 of 245770 chromosomes at a frequency of 0.000012 (Genome Aggregation Database Feb 27, 2017). The variant was observed in the following populations: East Asian in 1 of 17238 chromosomes (freq: 0.000058), Latino in 1 of 33582 chromosomes (freq: 0.00003) and European (Non-Finnish) in 1 of 111370 chromosomes (freq: 0.000009), but not observed in the African, Ashkenazi Jewish, European (Finnish), Other, and South Asian populations. Variations of the ADAMTS13 gene are associated with thrombotic thrombocytopenic purpura (TTP). Another missense substitution at the same codon (1336) has been identified as pathogenic: A1336W (Arg1336Trp) in two brothers with TTP, and functional studies suggest this variant contributes to reduced ADAMTS13 activity (Plaimauer_2006_PMID:16160007). The c.4007G>A variant occurs outside the splicing consensus sequence however 3 out of 4 splicing prediction programs (SplicSiteFinder-Like, MaxEntScan, GeneSplicer) predict the creation of a new 3' splice site. The p.Arg1336 residue is conserved in mammals and 4 out of 5 in silico or computational analyses (PolyPhen-2, SIFT, AlignGVGD, MutationTaster) suggest that the variant may impact the protein. However, this is information is not predictive enough to assume pathogenicity. In summary, based on the above information the clinical significance of this variant cannot be determined with certainty at this time. This variant is classified as a variant of uncertain significance.

Literature cited by the submitters: PubMed 32641076 (cited by Mayo Clinic Laboratories, Mayo Clinic).